The following is an entry in ClinVar:

ClinVar aggregate classification (germline): Likely benign (1 of 4 stars; one submission).

Submission:

CeGaT Center for Human Genetics Tuebingen
Classification: Likely benign. Last evaluated: 2026-02-01. Review status: criteria provided, single submitter. Criteria: CeGaT Center For Human Genetics Tuebingen Variant Classification Criteria Version 2. Collection method: clinical testing. Allele origin: germline. Affected: yes. Observed: 1 variant allele.
Comment: VCX3B: BP4, BP7

NM_001001888.4(VCX3B):c.93G>A (p.Pro31=)

Gene: VCX3B (variable charge X-linked 3B; plus strand). Cytogenetic location: Xp22.31.
Variant type: single nucleotide variant.
Coding change: c.93G>A on transcript NM_001001888.4 (MANE Select); coding-DNA position 93, G replaced by A.
Protein change: p.Pro31=; no amino-acid change (proline 31 retained).
Molecular consequence: synonymous variant.
Genome position (GRCh38, 1-based): chrX:8,465,543, G>A. VCF-style: chrX-8465543-G-A. GRCh37 (hg19) VCF-style: chrX-8433584-G-A.
Identifiers: ClinVar variation 4821520 (VCV004821520.4).
Genomic context (GRCh38, chrX:8,465,543, plus strand): 5'-GGCCAAGGCCAAGGAGGCAGGAAAGAGGAAGTCCTCCTCTCAGCCGAGCCCCAGTGACCC[G>A]AAGAAGAAGGTGAGTGACCCTCCCAAGCTCCTCCTCGTCTTCCCCTCGCCTCCTTCCTCA-3'
Protein context (NP_001001888.3, residues 21-41): KSSSQPSPSD[Pro31=]KKKTTKVAKK